The following is an entry in ClinVar:

ClinVar aggregate classification (germline): Uncertain significance (1 of 4 stars; one submission).

Conditions:
Hereditary cancer-predisposing syndrome. Also called: Hereditary neoplastic syndrome; Hereditary Cancer Syndrome; Neoplastic Syndromes, Hereditary; Tumor predisposition. Identifiers: Orphanet 140162, MedGen C0027672, MeSH D009386, MONDO:0015356.

Submission:

Ambry Genetics
Classification: Uncertain significance for Hereditary cancer-predisposing syndrome. Last evaluated: 2023-04-19. Review status: criteria provided, single submitter. Criteria: Ambry Variant Classification Scheme 2023. Collection method: clinical testing. Allele origin: germline.
Comment: The p.C461W variant (also known as c.1383T>G), located in coding exon 6 of the ALK gene, results from a T to G substitution at nucleotide position 1383. The cysteine at codon 461 is replaced by tryptophan, an amino acid with highly dissimilar properties. This amino acid position is conserved. In addition, this alteration is predicted to be deleterious by in silico analysis. Since supporting evidence is limited at this time, the clinical significance of this alteration remains unclear.

NM_004304.5(ALK):c.1383T>G (p.Cys461Trp)

Gene: ALK (ALK receptor tyrosine kinase; minus strand). Cytogenetic location: 2p23.2.
Variant type: single nucleotide variant.
Coding change: c.1383T>G on transcript NM_004304.5 (MANE Select); coding-DNA position 1383, T replaced by G.
Protein change: p.Cys461Trp; replaces cysteine 461 with tryptophan.
Molecular consequence: missense variant.
Genome position (GRCh38, 1-based): chr2:29,328,381, A>C on the plus strand (T>G on the coding strand, the complement: ALK is on the minus strand). VCF-style: chr2-29328381-A-C. GRCh37 (hg19) VCF-style: chr2-29551247-A-C.
Other names: short protein forms C461W.
Identifiers: ClinVar variation 2566582 (VCV002566582.2), dbSNP rs2465459257, ClinGen allele CA346474158.